The following is an entry in ClinVar:

NM_025137.4(SPG11):c.4517T>C (p.Ile1506Thr)

Gene: SPG11 (SPG11 vesicle trafficking associated, spatacsin; minus strand). Cytogenetic location: 15q21.1.
Variant type: single nucleotide variant.
Coding change: c.4517T>C on transcript NM_025137.4 (MANE Select); coding-DNA position 4517, T replaced by C.
Protein change: p.Ile1506Thr; replaces isoleucine 1506 with threonine.
Molecular consequence: missense variant.
Genome position (GRCh38, 1-based): chr15:44,595,377, A>G on the plus strand (T>C on the coding strand, the complement: SPG11 is on the minus strand). VCF-style: chr15-44595377-A-G. GRCh37 (hg19) VCF-style: chr15-44887575-A-G.
Other names: c.4517T>C, p.Ile1506Thr (NM_001160227.2, NM_001411132.1); short protein forms I1506T.
Identifiers: ClinVar variation 4536015 (VCV004536015.1).
Genomic context (GRCh38, chr15:44,595,377, plus strand): 5'-GTTCTCCAGATGACTGAAAGATCCTCAAGGTTCCAGGTATGGTCCTCTGTTGAGTCCTGA[A>G]TGTGTCCCATTGCTTCAGTTGCAACATTGTCCTCCACAGAAGTGATGATCCAAACACAGA-3'
Protein context (NP_079413.3, residues 1496-1516): DNVATEAMGH[Ile1506Thr]QDSTEDHTWN

ClinVar aggregate classification (germline): Uncertain significance (1 of 4 stars; one submission).

Submission:

Women's Health and Genetics/Laboratory Corporation of America, LabCorp
Classification: Uncertain significance. Last evaluated: 2025-09-24. Review status: criteria provided, single submitter. Criteria: LabCorp Variant Classification Summary - May 2015. Collection method: clinical testing. Allele origin: germline.
Comment: Variant summary: SPG11 c.4517T>C (p.Ile1506Thr) results in a non-conservative amino acid change in the encoded protein sequence. Algorithms developed to predict the effect of missense changes on protein structure and function are either unavailable or do not agree on the potential impact of this missense change. The variant was absent in 251442 control chromosomes. The available data on variant occurrences in the general population are insufficient to allow any conclusion about variant significance. To our knowledge, no occurrence of c.4517T>C in individuals affected with SPG11-related conditions and no experimental evidence demonstrating its impact on protein function have been reported. No submitters have cited clinical-significance assessments for this variant to ClinVar. Based on the evidence outlined above, the variant was classified as uncertain significance.